The following is an entry in ClinVar:

ClinVar aggregate classification (germline): Pathogenic. Review status: criteria provided, single submitter (1 of 4 stars). 2 submissions from 1 submitter: Pathogenic (2). Last evaluated 2021-08-26.

Conditions:
Juvenile polyposis syndrome (JPS). Identifiers: Orphanet 2929, MedGen C0345893, MONDO:0017380, OMIM 174900.
Generalized juvenile polyposis/juvenile polyposis coli. Also called: Juvenile polyposis coli. Identifiers: Orphanet 329971, MedGen C1868081, MONDO:0008276.

Submissions (2):

Labcorp Genetics (formerly Invitae), Labcorp
Classification: Pathogenic for Juvenile polyposis syndrome. Last evaluated: 2021-08-26. Review status: criteria provided, single submitter. Criteria: Invitae Variant Classification Sherloc (09022015). Collection method: clinical testing. Allele origin: germline.
Comment: A gross deletion of the genomic region encompassing the full coding sequence of the BMPR1A gene has been identified. Loss-of-function variants in BMPR1A are known to be pathogenic (PMID: 11536076, 12417513). The boundaries of this event are unknown as they extend beyond the assayed region for this gene and therefore may encompass additional genes. A similar copy number variant has been observed in individual(s) with juvenile polyposis (PMID: 16685657, 18510548, 22993021, 23331837, 23399955). For these reasons, this variant has been classified as Pathogenic.

Labcorp Genetics (formerly Invitae), Labcorp
Classification: Pathogenic for Juvenile polyposis syndrome. Last evaluated: 2019-08-02. Review status: criteria provided, single submitter. Criteria: Invitae Variant Classification Sherloc (09022015). Collection method: clinical testing. Allele origin: germline.
Comment: A gross deletion of the genomic region encompassing the full coding sequence of the BMPR1A gene has been identified. The boundaries of this event are unknown as the deletion extends beyond the assayed region for this gene and therefore may encompass additional genes. A similar deletion of the full coding sequence of BMPR1A has been reported in an individual affected with juvenile polyposis (PMID: 23399955), and larger copy number events that include this gene have been reported (PMID: 18510548, 23331837, 16685657, 22993021). Loss-of-function variants in BMPR1A are known to be pathogenic (PMID: 11536076, 12417513). For these reasons, this variant has been classified as Pathogenic.

Literature cited by the submitters: PubMed 11536076; PubMed 12417513; PubMed 16685657; PubMed 18510548; PubMed 22993021; PubMed 23331837; PubMed 23399955.

NC_000010.11:g.(?_86755016)_(86923719_?)del

Gene: BMPR1A (bone morphogenetic protein receptor type 1A; plus strand). Cytogenetic location: 10q23.2.
Variant type: Deletion.
Identifiers: ClinVar variation 832499 (VCV000832499.3).